The following is an entry in ClinVar:

NM_002528.7(NTHL1):c.815G>C (p.Gly272Ala)

Gene: NTHL1 (nth like DNA glycosylase 1; minus strand). Cytogenetic location: 16p13.3.
Variant type: single nucleotide variant.
Coding change: c.815G>C on transcript NM_002528.7 (MANE Select); coding-DNA position 815, G replaced by C.
Protein change: p.Gly272Ala; replaces glycine 272 with alanine.
Molecular consequence: missense variant.
Genome position (GRCh38, 1-based): chr16:2,040,024, C>G on the plus strand (G>C on the coding strand, the complement: NTHL1 is on the minus strand). VCF-style: chr16-2040024-C-G. GRCh37 (hg19) VCF-style: chr16-2090025-C-G.
Other names: c.644G>C, p.Gly215Ala (NM_001318193.2); c.485G>C, p.Gly162Ala (NM_001318194.2); short protein forms G215A, G162A, G272A.
Identifiers: ClinVar variation 852077 (VCV000852077.8), dbSNP rs2084238027, ClinGen allele CA394287468.

ClinVar aggregate classification (germline): Uncertain significance (1 of 4 stars; one submission).

Submission:

Labcorp Genetics (formerly Invitae), Labcorp
Classification: Uncertain significance. Last evaluated: 2024-06-26. Review status: criteria provided, single submitter. Criteria: Invitae Variant Classification Sherloc (09022015). Collection method: clinical testing. Allele origin: germline.
Comment: This sequence change replaces glycine, which is neutral and non-polar, with alanine, which is neutral and non-polar, at codon 280 of the NTHL1 protein (p.Gly280Ala). This variant is not present in population databases (gnomAD no frequency). This variant has not been reported in the literature in individuals affected with NTHL1-related conditions. ClinVar contains an entry for this variant (Variation ID: 852077). An algorithm developed to predict the effect of missense changes on protein structure and function (PolyPhen-2) suggests that this variant is likely to be tolerated. In summary, the available evidence is currently insufficient to determine the role of this variant in disease. Therefore, it has been classified as a Variant of Uncertain Significance.